The following is an entry in ClinVar:

NM_001142800.2(EYS):c.8392del (p.Asp2798fs)

Genes: EYS (EGF-like photoreceptor maintenance factor; minus strand), PHF3 (PHD finger protein 3; plus strand). Cytogenetic location: 6q12.
Variant type: Deletion.
Coding change: c.8392del on transcript NM_001142800.2 (MANE Select); coding-DNA position 8392, one base deleted (G; older notation c.8392delG).
Protein change: p.Asp2798fs; shifts the reading frame from aspartic acid 2798.
Molecular consequence: frameshift variant. On other transcripts: 3 prime UTR variant (5).
Genome position (GRCh38, 1-based): chr6:63,721,639, C deleted on the plus strand (G on the coding strand, the reverse complement: EYS is on the minus strand); the first of 2 consecutive C bases (chr6:63,721,639-63,721,640); deleting either gives the same sequence. VCF-style (leftmost placement, unchanged base first): chr6-63721638-TC-T. GRCh37 (hg19) VCF-style: chr6-64431534-TC-T.
Other names: c.*7932del (NM_001290259.2, NM_001370348.2, NM_001370349.2 and 2 more transcripts); c.8455del, p.Asp2819fs (NM_001292009.2); short protein forms D2798fs, D2819fs.
Identifiers: ClinVar variation 2675298 (VCV002675298.4), dbSNP rs2533392646, ClinGen allele CA2695198249.

ClinVar aggregate classification (germline): Pathogenic. Review status: criteria provided, multiple submitters, no conflicts (2 of 4 stars). 2 submissions from 2 submitters: Pathogenic (2). Last evaluated 2023-02-23.

Conditions:
Retinitis pigmentosa 25 (RP25). Identifiers: Orphanet 791, MedGen C1864446, MONDO:0011272, OMIM 602772.

Submissions (2):

Baylor Genetics
Classification: Pathogenic for Retinitis pigmentosa 25. Last evaluated: 2023-02-23. Review status: criteria provided, single submitter. Criteria: ACMG Guidelines, 2015. Collection method: clinical testing. Allele origin: unknown.

Labcorp Genetics (formerly Invitae), Labcorp
Classification: Pathogenic. Last evaluated: 2023-01-20. Review status: criteria provided, single submitter. Criteria: Invitae Variant Classification Sherloc (09022015). Collection method: clinical testing. Allele origin: germline.
Comment: This sequence change creates a premature translational stop signal (p.Asp2798Ilefs*2) in the EYS gene. While this is not anticipated to result in nonsense mediated decay, it is expected to disrupt the last 347 amino acid(s) of the EYS protein. This variant is not present in population databases (gnomAD no frequency). For these reasons, this variant has been classified as Pathogenic. This variant disrupts a region of the EYS protein in which other variant(s) (p.Tyr3135*) have been determined to be pathogenic (PMID: 18976725, 29159838, 30337596, 31074760). This suggests that this is a clinically significant region of the protein, and that variants that disrupt it are likely to be disease-causing. This premature translational stop signal has been observed in individual(s) with retinitis pigmentosa (PMID: 25356976).

Literature cited by the submitters: PubMed 18976725 (cited by Labcorp Genetics (formerly Invitae), Labcorp); PubMed 29159838 (cited by Labcorp Genetics (formerly Invitae), Labcorp); PubMed 30337596 (cited by Labcorp Genetics (formerly Invitae), Labcorp); PubMed 31074760 (cited by Labcorp Genetics (formerly Invitae), Labcorp); PubMed 25356976 (cited by Labcorp Genetics (formerly Invitae), Labcorp).